The following is an entry in ClinVar:

NM_198253.3(TERT):c.319G>T (p.Ala107Ser)

Gene: TERT (telomerase reverse transcriptase; minus strand). Cytogenetic location: 5p15.33.
Variant type: single nucleotide variant.
Coding change: c.319G>T on transcript NM_198253.3 (MANE Select); coding-DNA position 319, G replaced by T.
Protein change: p.Ala107Ser; replaces alanine 107 with serine.
Molecular consequence: missense variant. On other transcripts: non-coding transcript variant (2).
Genome position (GRCh38, 1-based): chr5:1,294,567, C>A on the plus strand (G>T on the coding strand, the complement: TERT is on the minus strand). VCF-style: chr5-1294567-C-A. GRCh37 (hg19) VCF-style: chr5-1294682-C-A.
Other names: c.319G>T, p.Ala107Ser (NM_001193376.3); short protein forms A107S.
Identifiers: ClinVar variation 1463817 (VCV001463817.8), dbSNP rs1751264625, ClinGen allele CA359058330.

ClinVar aggregate classification (germline): Uncertain significance (1 of 4 stars; one submission).

Conditions:
Dyskeratosis congenita, autosomal dominant 2. Identifiers: MedGen C3151443, MONDO:0013521, OMIM 613989.
Idiopathic Pulmonary Fibrosis. Also called: Idiopathic fibrosing alveolitis, chronic form; idiopathic fibrosing alveolitis. Identifiers: Orphanet 2032, MedGen C1800706, MeSH D054990, MONDO:0800504.

Submission:

Labcorp Genetics (formerly Invitae), Labcorp
Classification: Uncertain significance for Dyskeratosis congenita, autosomal dominant 2; Idiopathic Pulmonary Fibrosis. Last evaluated: 2021-01-28. Review status: criteria provided, single submitter. Criteria: Invitae Variant Classification Sherloc (09022015). Collection method: clinical testing. Allele origin: germline.
Comment: This variant has not been reported in the literature in individuals with TERT-related conditions. In summary, the available evidence is currently insufficient to determine the role of this variant in disease. Therefore, it has been classified as a Variant of Uncertain Significance. Advanced modeling of protein sequence and biophysical properties (such as structural, functional, and spatial information, amino acid conservation, physicochemical variation, residue mobility, and thermodynamic stability) performed at Invitae indicates that this missense variant is not expected to disrupt TERT protein function. This variant is not present in population databases (ExAC no frequency). This sequence change replaces alanine with serine at codon 107 of the TERT protein (p.Ala107Ser). The alanine residue is weakly conserved and there is a moderate physicochemical difference between alanine and serine.